The following is an entry in ClinVar:

NM_153700.2(STRC):c.4077G>A (p.Glu1359=)

Gene: STRC (stereocilin; minus strand). Cytogenetic location: 15q15.3.
Variant type: single nucleotide variant.
Coding change: c.4077G>A on transcript NM_153700.2 (MANE Select); coding-DNA position 4077, G replaced by A.
Protein change: p.Glu1359=; no amino-acid change (glutamic acid 1359 retained).
Molecular consequence: synonymous variant.
Genome position (GRCh38, 1-based): chr15:43,604,700, C>T on the plus strand (G>A on the coding strand, the complement: STRC is on the minus strand). VCF-style: chr15-43604700-C-T. GRCh37 (hg19) VCF-style: chr15-43896898-C-T.
Identifiers: ClinVar variation 517277 (VCV000517277.5), dbSNP rs1555447174, ClinGen allele CA490148989.

ClinVar aggregate classification (germline): Likely benign (1 of 4 stars; one submission).

Submission:

Laboratory for Molecular Medicine, Mass General Brigham Personalized Medicine
Classification: Likely benign. Last evaluated: 2017-03-16. Review status: criteria provided, single submitter. Criteria: LMM Criteria. Collection method: clinical testing. Allele origin: germline. Observed: 1 variant allele.
Comment: p.Glu1359Glu in exon 20 of STRC: This variant is not expected to have clinical s ignificance because it does not alter an amino acid residue and is not located w ithin the splice consensus sequence.